The following is an entry in ClinVar:

NM_133497.4(KCNV2):c.-2C>T

Gene: KCNV2 (potassium voltage-gated channel modifier subfamily V member 2; plus strand). Cytogenetic location: 9p24.2.
Variant type: single nucleotide variant.
Coding change: c.-2C>T on transcript NM_133497.4 (MANE Select); 2 bases upstream of the start codon, C replaced by T.
Molecular consequence: 5 prime UTR variant.
Genome position (GRCh38, 1-based): chr9:2,717,738, C>T. VCF-style: chr9-2717738-C-T. GRCh37 (hg19) VCF-style: chr9-2717738-C-T.
Other names: c.-2C>T (NM_133497.3).
Identifiers: ClinVar variation 100603 (VCV000100603.4), dbSNP rs75316505, ClinGen allele CA228947.

ClinVar aggregate classification (germline): Likely benign. Review status: criteria provided, single submitter (1 of 4 stars). 3 submissions from 3 submitters: Likely benign (1). 2 of the submissions do not count toward it. Last evaluated 2024-07-30.

Conditions:
KCNV2-related disorder. Also called: KCNV2-related condition.

Allele frequency attached by ClinVar (database versions not stated): 1000 Genomes Project 0.00260; 1000 Genomes Project 30x 0.00312; gnomAD exomes 0.00058; ExAC 0.00066; TOPMed 0.00199; gnomAD 0.00201 and 0.00207; ESP Exome Variant Server 0.00223.

Submissions (3):

Blueprint Genetics
Classification: Likely benign. Last evaluated: 2024-07-30. Review status: criteria provided, single submitter. Criteria: ACMG Guidelines, 2015. Collection method: clinical testing. Allele origin: germline.

PreventionGenetics, part of Exact Sciences
Classification: Likely benign for KCNV2-related condition. Last evaluated: 2023-02-08. Review status: no assertion criteria provided. Collection method: clinical testing. Allele origin: germline. Not counted in ClinVar's aggregate classification.
Comment: This variant is classified as likely benign based on ACMG/AMP sequence variant interpretation guidelines (Richards et al. 2015 PMID: 25741868, with internal and published modifications).

NEI Ophthalmic Genomics Laboratory, National Institutes of Health
No classification provided. Review status: no classification provided. Collection method: not provided. Allele origin: not provided. Not counted in ClinVar's aggregate classification.